The following is an entry in ClinVar:

NM_015386.3(COG4):c.383A>G (p.Gln128Arg)

Gene: COG4 (component of oligomeric golgi complex 4; minus strand). Cytogenetic location: 16q22.1.
Variant type: single nucleotide variant.
Coding change: c.383A>G on transcript NM_015386.3 (MANE Select); coding-DNA position 383, A replaced by G.
Protein change: p.Gln128Arg; replaces glutamine 128 with arginine.
Molecular consequence: missense variant. On other transcripts: 5 prime UTR variant (1), non-coding transcript variant (1).
Genome position (GRCh38, 1-based): chr16:70,514,496, T>C on the plus strand (A>G on the coding strand, the complement: COG4 is on the minus strand). VCF-style: chr16-70514496-T-C. GRCh37 (hg19) VCF-style: chr16-70548399-T-C.
Other names: c.371A>G, p.Gln124Arg (NM_001195139.2); c.-44A>G (NM_001365426.1); short protein forms Q124R, Q128R.
Identifiers: ClinVar variation 2503216 (VCV002503216.1), dbSNP rs1336942300, ClinGen allele CA396578469.

ClinVar aggregate classification (germline): Uncertain significance (1 of 4 stars; one submission).

Allele frequency attached by ClinVar (database versions not stated): gnomAD 0.00001; TOPMed 0.00001.
gnomAD v4.1: 4 of 1,613,956 alleles (0.00025%); highest among the groups gnomAD compares: Non-Finnish European, 0.00034%; no homozygotes.

Submission:

GeneDx
Classification: Uncertain significance. Last evaluated: 2022-11-23. Review status: criteria provided, single submitter. Criteria: GeneDx Variant Classification Process June 2021. Collection method: clinical testing. Allele origin: germline. Affected: yes.
Comment: Not observed at significant frequency in large population cohorts (gnomAD); In silico analysis supports that this missense variant does not alter protein structure/function; Has not been previously published as pathogenic or benign to our knowledge